The following is an entry in ClinVar:

NM_017763.6(RNF43):c.1603T>G (p.Ser535Ala)

Gene: RNF43 (ring finger protein 43; minus strand). Cytogenetic location: 17q22.
Variant type: single nucleotide variant.
Coding change: c.1603T>G on transcript NM_017763.6 (MANE Select); coding-DNA position 1603, T replaced by G.
Protein change: p.Ser535Ala; replaces serine 535 with alanine.
Molecular consequence: missense variant.
Genome position (GRCh38, 1-based): chr17:58,358,173, A>C on the plus strand (T>G on the coding strand, the complement: RNF43 is on the minus strand). VCF-style: chr17-58358173-A-C. GRCh37 (hg19) VCF-style: chr17-56435534-A-C.
Other names: c.1603T>G, p.Ser535Ala (NM_001305544.3); c.1222T>G, p.Ser408Ala (NM_001305545.2); short protein forms S408A, S535A.
Identifiers: ClinVar variation 1448586 (VCV001448586.9), dbSNP rs1235208804, ClinGen allele CA400329174.
Genomic context (GRCh38, chr17:58,358,173, plus strand): 5'-GCCGGTGGCGGTGGTAGTGGACATGGCTGGAAACCTGGGTTTCCCCTGTGGGCACCACCG[A>C]GTCCAAGGAACGAGGCCGAGAGGTCACACTAGGCTGCATGTCCACTCGCTGGGGATCCCC-3'
Protein context (NP_060233.3, residues 525-545): SVTSRPRSLD[Ser535Ala]VVPTGETQVS

ClinVar aggregate classification (germline): Uncertain significance. Review status: criteria provided, multiple submitters, no conflicts (2 of 4 stars). 2 submissions from 2 submitters: Uncertain significance (2). Last evaluated 2025-03-31.

Allele frequency attached by ClinVar (database versions not stated): gnomAD exomes below 0.00001 and 0.00001.
gnomAD v4.1: 11 of 1,612,444 alleles (0.00068%); highest among the groups gnomAD compares: African/African-American, 0.0013%; no homozygotes.

Submissions (2):

Ambry Genetics
Classification: Uncertain significance. Last evaluated: 2025-03-31. Review status: criteria provided, single submitter. Criteria: Ambry Variant Classification Scheme 2023. Collection method: clinical testing. Allele origin: germline.
Comment: The p.S535A variant (also known as c.1603T>G), located in coding exon 8 of the RNF43 gene, results from a T to G substitution at nucleotide position 1603. The serine at codon 535 is replaced by alanine, an amino acid with similar properties. This amino acid position is conserved. In addition, this alteration is predicted to be tolerated by in silico analysis. Based on the available evidence, the clinical significance of this variant remains unclear.

Labcorp Genetics (formerly Invitae), Labcorp
Classification: Uncertain significance. Last evaluated: 2021-02-01. Review status: criteria provided, single submitter. Criteria: Invitae Variant Classification Sherloc (09022015). Collection method: clinical testing. Allele origin: germline.
Comment: In summary, the available evidence is currently insufficient to determine the role of this variant in disease. Therefore, it has been classified as a Variant of Uncertain Significance. Algorithms developed to predict the effect of missense changes on protein structure and function are either unavailable or do not agree on the potential impact of this missense change (SIFT: "Tolerated"; PolyPhen-2: "Possibly Damaging"; Align-GVGD: "Class C0"). This variant has not been reported in the literature in individuals with RNF43-related conditions. This variant is not present in population databases (ExAC no frequency). This sequence change replaces serine with alanine at codon 535 of the RNF43 protein (p.Ser535Ala). The serine residue is highly conserved and there is a moderate physicochemical difference between serine and alanine.